The following is an entry in ClinVar:

NM_001943.5(DSG2):c.803A>T (p.Asn268Ile)

Gene: DSG2 (desmoglein 2; plus strand). Cytogenetic location: 18q12.1.
Variant type: single nucleotide variant.
Coding change: c.803A>T on transcript NM_001943.5 (MANE Select); coding-DNA position 803, A replaced by T.
Protein change: p.Asn268Ile; replaces asparagine 268 with isoleucine.
Molecular consequence: missense variant.
Genome position (GRCh38, 1-based): chr18:31,524,560, A>T. VCF-style: chr18-31524560-A-T. GRCh37 (hg19) VCF-style: chr18-29104523-A-T.
Other names: short protein forms N268I.
Identifiers: ClinVar variation 918361 (VCV000918361.11), dbSNP rs942590973, ClinGen allele CA297731937.

ClinVar aggregate classification (germline): Uncertain significance. Review status: criteria provided, multiple submitters, no conflicts (2 of 4 stars). 4 submissions from 4 submitters: Uncertain significance (4). Last evaluated 2025-08-20.

Conditions:
Arrhythmogenic right ventricular cardiomyopathy (ARVD). Also called: Arrhythmogenic cardiomyopathy; Cardiomyopathy, ARVC; Arrhythmogenic right ventricular dysplasia; Arrhythmogenic Right Ventricular Cardiomyopathy (ARVC). Identifiers: Orphanet 247, MedGen C0349788, MeSH D019571, MONDO:0016587. Disease mechanism: loss of function. Inheritance: Various modes of inheritance.
Cardiomyopathy (CMYO). Also called: Cardiomyopathies. Identifiers: Orphanet 167848, MedGen C0878544, MONDO:0004994, HP:0001638. Inheritance: Various modes of inheritance.
Arrhythmogenic right ventricular dysplasia 10. Also called: Arrhythmogenic Right Ventricular Dysplasia/Cardiomyopathy10; ARRHYTHMOGENIC RIGHT VENTRICULAR DYSPLASIA, FAMILIAL, 10; Arrhythmogenic right ventricular dysplasia/cardiomyopathy, type 10. Identifiers: MedGen C1857777, MONDO:0012434, OMIM 610193.

Allele frequency attached by ClinVar (database versions not stated): gnomAD exomes 0.00001.
gnomAD v4.1: 21 of 1,614,098 alleles (0.0013%); highest among the groups gnomAD compares: East Asian, 0.047%; no homozygotes.

Submissions (4):

Labcorp Genetics (formerly Invitae), Labcorp
Classification: Uncertain significance for Arrhythmogenic right ventricular dysplasia 10. Last evaluated: 2025-08-20. Review status: criteria provided, single submitter. Criteria: Invitae Variant Classification Sherloc (09022015). Collection method: clinical testing. Allele origin: germline.
Comment: This sequence change replaces asparagine, which is neutral and polar, with isoleucine, which is neutral and non-polar, at codon 268 of the DSG2 protein (p.Asn268Ile). This variant is not present in population databases (gnomAD no frequency). This missense change has been observed in individual(s) with arrhythmogenic right ventricular cardiomyopathy (PMID: 29178656). ClinVar contains an entry for this variant (Variation ID: 918361). Invitae Evidence Modeling of protein sequence and biophysical properties (such as structural, functional, and spatial information, amino acid conservation, physicochemical variation, residue mobility, and thermodynamic stability) has been performed for this missense variant. However, the output from this modeling did not meet the statistical confidence thresholds required to predict the impact of this variant on DSG2 protein function. In summary, the available evidence is currently insufficient to determine the role of this variant in disease. Therefore, it has been classified as a Variant of Uncertain Significance.

All of Us Research Program, National Institutes of Health
Classification: Uncertain significance for Arrhythmogenic right ventricular cardiomyopathy. Last evaluated: 2023-10-23. Review status: criteria provided, single submitter. Criteria: ACMG Guidelines, 2015. Collection method: clinical testing. Allele origin: germline. Inheritance: Autosomal dominant inheritance. Observed: 1 variant allele, 1 heterozygote.
Comment: This missense variant replaces asparagine with isoleucine at codon 268 of the DSG2 protein. Computational prediction is inconclusive regarding the impact of this variant on protein structure and function (internally defined REVEL score threshold 0.5 < inconclusive < 0.7, PMID: 27666373). To our knowledge, functional studies have not been reported for this variant. This variant has been reported in two Japanese individuals affected with arrhythmogenic right ventricular cardiomyopathy and in 0.2% of 858 control individuals (PMID: 29178656). This variant has not been identified in the general population by the Genome Aggregation Database (gnomAD). The available evidence is insufficient to determine the role of this variant in disease conclusively. Therefore, this variant is classified as a Variant of Uncertain Significance.

This study involves interpretation of variants in research participants for the purpose of population health screening. Participant phenotype was not available at the time of variant classification. Additional details can be found in publication PMID: 35346344, PMCID: PMC8962531

Color Diagnostics, LLC DBA Color Health
Classification: Uncertain significance for Cardiomyopathy. Last evaluated: 2023-10-06. Review status: criteria provided, single submitter. Criteria: ACMG Guidelines, 2015. Collection method: clinical testing. Allele origin: germline.
Comment: This missense variant replaces asparagine with isoleucine at codon 268 of the DSG2 protein. Computational prediction is inconclusive regarding the impact of this variant on protein structure and function (internally defined REVEL score threshold 0.5 < inconclusive < 0.7, PMID: 27666373). To our knowledge, functional studies have not been reported for this variant. This variant has been reported in two Japanese individuals affected with arrhythmogenic right ventricular cardiomyopathy and in a few control individuals (PMID: 29178656). This variant has not been identified in the general population by the Genome Aggregation Database (gnomAD). The available evidence is insufficient to determine the role of this variant in disease conclusively. Therefore, this variant is classified as a Variant of Uncertain Significance.

GeneDx
Classification: Uncertain significance. Last evaluated: 2022-04-01. Review status: criteria provided, single submitter. Criteria: GeneDx Variant Classification Process June 2021. Collection method: clinical testing. Allele origin: germline. Affected: yes.
Comment: In silico analysis supports that this missense variant has a deleterious effect on protein structure/function; Not observed at significant frequency in large population cohorts (gnomAD); This variant is associated with the following publications: (PMID: 29178656)

Literature cited by the submitters: PubMed 29178656 (cited by 3 submitters).